The following is an entry in ClinVar:

NM_152269.5(MTRFR):c.325C>T (p.Arg109Trp)

Gene: MTRFR (mitochondrial translation release factor in rescue; plus strand). Cytogenetic location: 12q24.31.
Variant type: single nucleotide variant.
Coding change: c.325C>T on transcript NM_152269.5 (MANE Select); coding-DNA position 325, C replaced by T.
Protein change: p.Arg109Trp; replaces arginine 109 with tryptophan.
Molecular consequence: missense variant.
Genome position (GRCh38, 1-based): chr12:123,256,855, C>T. VCF-style: chr12-123256855-C-T. GRCh37 (hg19) VCF-style: chr12-123741402-C-T.
Other names: c.325C>T (NM_152269.4); c.325C>T, p.Arg109Trp (NM_001143905.2, NM_001194995.1); short protein forms R109W.
Identifiers: ClinVar variation 1681659 (VCV001681659.4), dbSNP rs372252104, ClinGen allele CA6856583.

ClinVar aggregate classification (germline): Uncertain significance. Review status: criteria provided, multiple submitters, no conflicts (2 of 4 stars). 2 submissions from 2 submitters: Uncertain significance (2). Last evaluated 2024-02-27.

Conditions:
Combined oxidative phosphorylation defect type 7. Identifiers: Orphanet 254930, MedGen C3150801, MONDO:0013306, OMIM 613559.
Spastic paraplegia. Identifiers: MedGen C0037772, HP:0001258.

Allele frequency attached by ClinVar (database versions not stated): gnomAD exomes below 0.00001 and 0.00002; ExAC 0.00003; gnomAD 0.00006; TOPMed 0.00006; ESP Exome Variant Server 0.00008.
gnomAD v4.1: 15 of 1,613,550 alleles (0.00093%); highest among the groups gnomAD compares: African/African-American, 0.012%; no homozygotes.

Submissions (2):

GeneDx
Classification: Uncertain significance. Last evaluated: 2024-02-27. Review status: criteria provided, single submitter. Criteria: GeneDx Variant Classification Process June 2021. Collection method: clinical testing. Allele origin: germline. Affected: yes.
Comment: In silico analysis supports that this missense variant has a deleterious effect on protein structure/function; Has not been previously published as pathogenic or benign to our knowledge; This variant is associated with the following publications: (PMID: 25995486)

Labcorp Genetics (formerly Invitae), Labcorp
Classification: Uncertain significance for Combined oxidative phosphorylation defect type 7; Spastic paraplegia. Last evaluated: 2022-05-11. Review status: criteria provided, single submitter. Criteria: Invitae Variant Classification Sherloc (09022015). Collection method: clinical testing. Allele origin: germline.
Comment: This sequence change replaces arginine, which is basic and polar, with tryptophan, which is neutral and slightly polar, at codon 109 of the C12orf65 protein (p.Arg109Trp). This variant is present in population databases (rs372252104, gnomAD 0.02%). This variant has not been reported in the literature in individuals affected with C12orf65-related conditions. Algorithms developed to predict the effect of missense changes on protein structure and function are either unavailable or do not agree on the potential impact of this missense change (SIFT: "Deleterious"; PolyPhen-2: "Probably Damaging"; Align-GVGD: "Class C0"). In summary, the available evidence is currently insufficient to determine the role of this variant in disease. Therefore, it has been classified as a Variant of Uncertain Significance.